The following is an entry in ClinVar:

NM_177438.3(DICER1):c.663A>G (p.Glu221=)

Gene: DICER1 (dicer 1, ribonuclease III; minus strand). Cytogenetic location: 14q32.13.
Variant type: single nucleotide variant.
Coding change: c.663A>G on transcript NM_177438.3 (MANE Select); coding-DNA position 663, A replaced by G.
Protein change: p.Glu221=; no amino-acid change (glutamic acid 221 retained).
Molecular consequence: synonymous variant.
Genome position (GRCh38, 1-based): chr14:95,129,543, T>C on the plus strand (A>G on the coding strand, the complement: DICER1 is on the minus strand). VCF-style: chr14-95129543-T-C. GRCh37 (hg19) VCF-style: chr14-95595880-T-C.
Other names: c.663A>G, p.Glu221= (NM_001195573.1, NM_001271282.3, NM_001291628.2 and 1 more transcripts).
Identifiers: ClinVar variation 477277 (VCV000477277.18), dbSNP rs1555375817, ClinGen allele CA487633826.
Genomic context (GRCh38, chr14:95,129,543, plus strand): 5'-CACCAGGTCAGTTGCAGTTTCAGCATTACTCTTAAGAATTTTCTCTAGTTTCTGAATCTT[T>C]TCTTCCAATTCCTCTGGATCACATTTCCCATTTAAAATGGAAGCAGTTAGTCCCAAAATG-3'
Protein context (NP_803187.1, residues 211-231): NGKCDPEELE[Glu221=]KIQKLEKILK

ClinVar aggregate classification (germline): Benign/Likely benign. Review status: criteria provided, multiple submitters, no conflicts (2 of 4 stars). 3 submissions from 3 submitters: Benign (1); Likely benign (2). Last evaluated 2026-04-15.

Conditions:
DICER1-related tumor predisposition. Also called: DICER1-related pleuropulmonary blastoma cancer predisposition syndrome; DICER1 syndrome. Identifiers: Orphanet 284343, MedGen C3839822, MONDO:0100216.
Hereditary cancer-predisposing syndrome. Also called: Hereditary neoplastic syndrome; Neoplastic Syndromes, Hereditary; Hereditary Cancer Syndrome; Tumor predisposition. Identifiers: Orphanet 140162, MedGen C0027672, MeSH D009386, MONDO:0015356.

Allele frequency attached by ClinVar (database versions not stated): gnomAD exomes below 0.00001.
gnomAD v4.1: 3 of 1,613,952 alleles (0.00019%); highest among the groups gnomAD compares: Non-Finnish European, 0.00025%; no homozygotes.

Submissions (3):

Myriad Genetics, Inc.
Classification: Benign for DICER1-related tumor predisposition. Last evaluated: 2026-04-15. Review status: criteria provided, single submitter. Criteria: Myriad Autosomal Dominant, Autosomal Recessive and X-Linked Classification Criteria (2023). Collection method: clinical testing. Allele origin: unknown.
Comment: This variant is considered benign. This variant is a silent/synonymous amino acid change and it is not expected to impact splicing.

Labcorp Genetics (formerly Invitae), Labcorp
Classification: Likely benign for DICER1-related tumor predisposition. Last evaluated: 2025-09-20. Review status: criteria provided, single submitter. Criteria: Invitae Variant Classification Sherloc (09022015). Collection method: clinical testing. Allele origin: germline.

Ambry Genetics
Classification: Likely benign for Hereditary cancer-predisposing syndrome. Last evaluated: 2017-09-20. Review status: criteria provided, single submitter. Criteria: Ambry Variant Classification Scheme 2023. Collection method: clinical testing. Allele origin: germline.